The following is an entry in ClinVar:

NM_138395.4(MARS2):c.727C>T (p.Leu243Phe)

Gene: MARS2 (methionyl-tRNA synthetase 2, mitochondrial; plus strand). Cytogenetic location: 2q33.1.
Variant type: single nucleotide variant.
Coding change: c.727C>T on transcript NM_138395.4 (MANE Select); coding-DNA position 727, C replaced by T.
Protein change: p.Leu243Phe; replaces leucine 243 with phenylalanine.
Molecular consequence: missense variant.
Genome position (GRCh38, 1-based): chr2:197,706,132, C>T. VCF-style: chr2-197706132-C-T. GRCh37 (hg19) VCF-style: chr2-198570856-C-T.
Other names: short protein forms L243F.
Identifiers: ClinVar variation 3123697 (VCV003123697.2), dbSNP rs199761896, ClinGen allele CA2044628.

ClinVar aggregate classification (germline): Uncertain significance. Review status: criteria provided, multiple submitters, no conflicts (2 of 4 stars). 2 submissions from 2 submitters: Uncertain significance (2). Last evaluated 2026-01-06.

Allele frequency attached by ClinVar (database versions not stated): TOPMed 0.00011; 1000 Genomes Project 0.00020; 1000 Genomes Project 30x 0.00031; gnomAD exomes below 0.00001; ExAC 0.00001; gnomAD 0.00004.

Submissions (2):

Labcorp Genetics (formerly Invitae), Labcorp
Classification: Uncertain significance. Last evaluated: 2026-01-06. Review status: criteria provided, single submitter. Criteria: Invitae Variant Classification Sherloc (09022015). Collection method: clinical testing. Allele origin: germline.
Comment: This sequence change replaces leucine, which is neutral and non-polar, with phenylalanine, which is neutral and non-polar, at codon 243 of the MARS2 protein (p.Leu243Phe). This variant is present in population databases (rs199761896, gnomAD 0.003%). This variant has not been reported in the literature in individuals affected with MARS2-related conditions. ClinVar contains an entry for this variant (Variation ID: 3123697). Invitae Evidence Modeling of protein sequence and biophysical properties (such as structural, functional, and spatial information, amino acid conservation, physicochemical variation, residue mobility, and thermodynamic stability) indicates that this missense variant is not expected to disrupt MARS2 protein function with a negative predictive value of 80%. In summary, the available evidence is currently insufficient to determine the role of this variant in disease. Therefore, it has been classified as a Variant of Uncertain Significance.

Ambry Genetics
Classification: Uncertain significance. Last evaluated: 2024-01-04. Review status: criteria provided, single submitter. Criteria: Ambry Variant Classification Scheme 2023. Collection method: clinical testing. Allele origin: germline.